The following is an entry in ClinVar:

NC_000005.9:g.(?_45695975)_(45696384_?)del

Gene: HCN1 (hyperpolarization activated cyclic nucleotide gated potassium channel 1; minus strand). Cytogenetic location: 5p12.
Variant type: Deletion.
Identifiers: ClinVar variation 3246317 (VCV003246317.1).

ClinVar aggregate classification (germline): Uncertain significance (1 of 4 stars; one submission).

Conditions:
Developmental and epileptic encephalopathy. Identifiers: MedGen C5779964, MONDO:0100620.

Submission:

Labcorp Genetics (formerly Invitae), Labcorp
Classification: Uncertain significance for Early-infantile DEE. Last evaluated: 2018-08-21. Review status: criteria provided, single submitter. Criteria: Invitae Variant Classification Sherloc (09022015). Collection method: clinical testing. Allele origin: unknown.
Comment: This variant has not been reported in the literature in individuals with HCN1-related disease. This variant is a partial deletion of the genomic region encompassing exon 1 of the HCN1 gene, which includes the initiator codon. The 5' end of this event is unknown as it extends beyond the assayed region for this gene and therefore may encompass additional genes. The 3' boundary is likely confined to exon 1 of the HCN1 gene. This is expected to result in an absent or disrupted protein product. In summary, the available evidence is currently insufficient to determine the role of this variant in disease. Therefore, it has been classified as a Variant of Uncertain Significance. The current clinical and genetic evidence is not sufficient to establish whether loss-of-function variants in HCN1 cause disease.